The following is an entry in ClinVar:

NM_000059.4(BRCA2):c.8754+75A>G

Gene: BRCA2 (BRCA2 DNA repair associated; plus strand). Cytogenetic location: 13q13.1.
Variant type: single nucleotide variant.
Coding change: c.8754+75A>G on transcript NM_000059.4 (MANE Select); 75 bases into the intron after coding-DNA position 8754, A replaced by G.
Molecular consequence: intron variant.
Genome position (GRCh38, 1-based): chr13:32,376,866, A>G. VCF-style: chr13-32376866-A-G. GRCh37 (hg19) VCF-style: chr13-32951003-A-G.
Identifiers: ClinVar variation 812553 (VCV000812553.2), dbSNP rs575377419, ClinGen allele CA247491024.

ClinVar aggregate classification (germline): Benign (3 of 4 stars; one submission).

Conditions:
Breast-ovarian cancer, familial, susceptibility to, 2 (BROVCA2). Also called: BRCA2 Hereditary Breast and Ovarian Cancer. Identifiers: Orphanet 145, MedGen C2675520, MONDO:0012933, OMIM 612555. Disease mechanism: loss of function.

Allele frequency attached by ClinVar (database versions not stated): TOPMed 0.00034; gnomAD exomes 0.00057; gnomAD 0.00031 and 0.00033.
gnomAD v4.1: 858 of 1,576,806 alleles (0.054%); highest among the groups gnomAD compares: Non-Finnish European, 0.068%; 1 homozygote.

Submission:

Evidence-based Network for the Interpretation of Germline Mutant Alleles (ENIGMA)
Classification: Benign for Breast-ovarian cancer, familial, susceptibility to, 2. Last evaluated: 2019-06-18. Review status: reviewed by expert panel. Criteria: ENIGMA BRCA1/2 Classification Criteria (2017-06-29). Collection method: curation. Allele origin: germline.
Comment: IARC class based on posterior probability from multifactorial likelihood analysis, thresholds for class as per Plon et al. 2008 (PMID: 18951446). Class 1 based on posterior probability = 1.86E-17

Literature cited by the submitters: PubMed 31131967.